The following is an entry in ClinVar:

NM_001378120.1(MBD5):c.4920C>A (p.Asp1640Glu)

Gene: MBD5 (methyl-CpG binding domain protein 5; plus strand). Cytogenetic location: 2q23.1.
Variant type: single nucleotide variant.
Coding change: c.4920C>A on transcript NM_001378120.1 (MANE Select); coding-DNA position 4920, C replaced by A.
Protein change: p.Asp1640Glu; replaces aspartic acid 1640 with glutamic acid.
Molecular consequence: missense variant.
Genome position (GRCh38, 1-based): chr2:148,490,552, C>A. VCF-style: chr2-148490552-C-A. GRCh37 (hg19) VCF-style: chr2-149248121-C-A.
Other names: c.4221C>A, p.Asp1407Glu (NM_018328.5); short protein forms D1407E, D1640E.
Identifiers: ClinVar variation 661763 (VCV000661763.9), dbSNP rs768363712, ClinGen allele CA348731973.

ClinVar aggregate classification (germline): Uncertain significance (1 of 4 stars; one submission).

Conditions:
Intellectual developmental disorder, autosomal dominant 1. Also called: Intellectual disability, autosomal dominant 1; MBD5 Haploinsufficiency. Identifiers: Orphanet 228402, MedGen C1969562, MONDO:0007974, OMIM 156200.

Allele frequency attached by ClinVar (database versions not stated): TOPMed 0.00002.
gnomAD v4.1: 1 of 1,614,042 alleles (0.000062%); highest among the groups gnomAD compares: African/African-American, 0.0013%; no homozygotes.

Submission:

Labcorp Genetics (formerly Invitae), Labcorp
Classification: Uncertain significance for Intellectual developmental disorder, autosomal dominant 1. Last evaluated: 2023-09-20. Review status: criteria provided, single submitter. Criteria: Invitae Variant Classification Sherloc (09022015). Collection method: clinical testing. Allele origin: germline.
Comment: In summary, the available evidence is currently insufficient to determine the role of this variant in disease. Therefore, it has been classified as a Variant of Uncertain Significance. Algorithms developed to predict the effect of missense changes on protein structure and function output the following: SIFT: "Not Available"; PolyPhen-2: "Not Available"; Align-GVGD: "Not Available". The glutamic acid amino acid residue is found in multiple mammalian species, which suggests that this missense change does not adversely affect protein function. ClinVar contains an entry for this variant (Variation ID: 661763). This variant has not been reported in the literature in individuals affected with MBD5-related conditions. This variant is not present in population databases (gnomAD no frequency). This sequence change replaces aspartic acid, which is acidic and polar, with glutamic acid, which is acidic and polar, at codon 1407 of the MBD5 protein (p.Asp1407Glu).